The following is an entry in ClinVar:

ClinVar aggregate classification (germline): Likely benign (0 of 4 stars; one submission).

Conditions:
ARID1A-related disorder. Also called: ARID1A-related condition.

Submission:

PreventionGenetics, part of Exact Sciences
Classification: Likely benign for ARID1A-related condition. Last evaluated: 2024-08-23. Review status: no assertion criteria provided. Collection method: clinical testing. Allele origin: germline.
Comment: This variant is classified as likely benign based on ACMG/AMP sequence variant interpretation guidelines (Richards et al. 2015 PMID: 25741868, with internal and published modifications).

NM_006015.6(ARID1A):c.279G>A (p.Gly93=)

Gene: ARID1A (AT-rich interaction domain 1A; plus strand). Cytogenetic location: 1p36.11.
Variant type: single nucleotide variant.
Coding change: c.279G>A on transcript NM_006015.6 (MANE Select); coding-DNA position 279, G replaced by A.
Protein change: p.Gly93=; no amino-acid change (glycine 93 retained).
Molecular consequence: synonymous variant.
Genome position (GRCh38, 1-based): chr1:26,696,682, G>A. VCF-style: chr1-26696682-G-A. GRCh37 (hg19) VCF-style: chr1-27023173-G-A.
Other names: c.279G>A, p.Gly93= (NM_139135.4).
Identifiers: ClinVar variation 3346994 (VCV003346994.1).
Genomic context (GRCh38, chr1:26,696,682, plus strand): 5'-GCAGGACGGGGCCGAGAGCAATGGGGGTGGCGGCGGCGGCGGAGCCGGCAGCGGCGGCGG[G>A]CCCGGCGCGGAGCCGGACCTGAAGAACTCGAACGGGAACGCGGGCCCTAGGCCCGCCCTG-3'
Protein context (NP_006006.3, residues 83-103): GGGGGAGSGG[Gly93=]PGAEPDLKNS